The following is an entry in ClinVar:

ClinVar aggregate classification (germline): Uncertain significance (1 of 4 stars; one submission).

Submission:

Ambry Genetics
Classification: Uncertain significance. Last evaluated: 2023-04-20. Review status: criteria provided, single submitter. Criteria: Ambry Variant Classification Scheme 2023. Collection method: clinical testing. Allele origin: germline.
Comment: The p.L754P variant (also known as c.2261T>C), located in coding exon 19 of the BUB1 gene, results from a T to C substitution at nucleotide position 2261. The leucine at codon 754 is replaced by proline, an amino acid with similar properties. This amino acid position is conserved. In addition, this alteration is predicted to be deleterious by in silico analysis. Since supporting evidence is limited at this time, the clinical significance of this alteration remains unclear.

NM_004336.5(BUB1):c.2261T>C (p.Leu754Pro)

Gene: BUB1 (BUB1 mitotic checkpoint serine/threonine kinase; minus strand). Cytogenetic location: 2q13.
Variant type: single nucleotide variant.
Coding change: c.2261T>C on transcript NM_004336.5 (MANE Select); coding-DNA position 2261, T replaced by C.
Protein change: p.Leu754Pro; replaces leucine 754 with proline.
Molecular consequence: missense variant.
Genome position (GRCh38, 1-based): chr2:110,649,320, A>G on the plus strand (T>C on the coding strand, the complement: BUB1 is on the minus strand). VCF-style: chr2-110649320-A-G. GRCh37 (hg19) VCF-style: chr2-111406897-A-G.
Other names: c.2201T>C, p.Leu734Pro (NM_001278616.2); c.2261T>C, p.Leu754Pro (NM_001278617.2); short protein forms L734P, L754P.
Identifiers: ClinVar variation 2562167 (VCV002562167.2), dbSNP rs2467987347, ClinGen allele CA348209539.